The following is an entry in ClinVar:

ClinVar aggregate classification (germline): Uncertain significance (1 of 4 stars; one submission).

Conditions:
Hereditary cancer-predisposing syndrome. Also called: Hereditary Cancer Syndrome; Hereditary neoplastic syndrome; Tumor predisposition; Neoplastic Syndromes, Hereditary. Identifiers: Orphanet 140162, MedGen C0027672, MeSH D009386, MONDO:0015356.

Allele frequency attached by ClinVar (database versions not stated): gnomAD exomes below 0.00001.
gnomAD v4.1: 2 of 1,613,202 alleles (0.00012%); highest among the groups gnomAD compares: South Asian, 0.0011%; no homozygotes.

Submission:

Ambry Genetics
Classification: Uncertain significance for Hereditary cancer-predisposing syndrome. Last evaluated: 2025-03-14. Review status: criteria provided, single submitter. Criteria: Ambry Variant Classification Scheme 2023. Collection method: clinical testing. Allele origin: germline.
Comment: The c.2469-3C>T intronic variant results from a C to T substitution 3 nucleotides upstream from coding exon 22 in the POLE gene. This nucleotide position is well conserved in available vertebrate species. In silico splice site analysis predicts that this alteration will not have any significant effect on splicing. Based on the available evidence, the clinical significance of this variant remains unclear.

NM_006231.4(POLE):c.2469-3C>T

Gene: POLE (DNA polymerase epsilon, catalytic subunit; minus strand). Cytogenetic location: 12q24.33.
Variant type: single nucleotide variant.
Coding change: c.2469-3C>T on transcript NM_006231.4 (MANE Select); 3 bases into the intron before coding-DNA position 2469, C replaced by T.
Molecular consequence: intron variant.
Genome position (GRCh38, 1-based): chr12:132,664,465, G>A on the plus strand (C>T on the coding strand, the complement: POLE is on the minus strand). VCF-style: chr12-132664465-G-A. GRCh37 (hg19) VCF-style: chr12-133241051-G-A.
Identifiers: ClinVar variation 1791722 (VCV001791722.3), dbSNP rs1299958580, ClinGen allele CA608514221.
Genomic context (GRCh38, chr12:132,664,465, plus strand): 5'-GATGTTGGCCCCTGTGAAGCAGACGATGCCAGCCATCTCCATGGAGTACCAGCGAGCCCT[G>A]AGAGGACACCACAAACTGGTGGGTGGGGCTGGCATGGCTCCTCCAGGGGGTATCAGAGGC-3'